The following is an entry in ClinVar:

NM_001379200.1(TBX1):c.525_528dup (p.Lys177delinsArgTer)

Gene: TBX1 (T-box transcription factor 1; plus strand). Cytogenetic location: 22q11.21.
Variant type: Duplication.
Coding change: c.525_528dup on transcript NM_001379200.1 (MANE Select); coding-DNA positions 525 to 528, 4 bases duplicated (CGAT; older notation c.525_528dupCGAT).
Protein change: p.Lys177delinsArgTer.
Molecular consequence: nonsense.
Genome position (GRCh38, 1-based): chr22:19,763,328-19,763,331, CGAT duplicated. VCF-style (leftmost placement, unchanged base first): chr22-19763327-A-ACGAT. GRCh37 (hg19) VCF-style: chr22-19750850-A-ACGAT.
Other names: c.498_501dup, p.Lys168delinsArgTer (NM_005992.1, NM_080646.2, NM_080647.1); c.498_501dupCGAT (NM_080647.1).
Identifiers: ClinVar variation 280935 (VCV000280935.2), dbSNP rs886042049, ClinGen allele CA10603687.

ClinVar aggregate classification (germline): Pathogenic (1 of 4 stars; one submission).

Submission:

GeneDx
Classification: Pathogenic. Last evaluated: 2017-06-09. Review status: criteria provided, single submitter. Criteria: GeneDx Variant Classification (06012015). Collection method: clinical testing. Allele origin: germline. Affected: yes.
Comment: The c.498_501dupCGAT variant in the TBX1 gene has not been published as a pathogenic variant, nor has it been reported as a benign variant to our knowledge. The variant causes a frameshift starting with codon Lysine 168, changes this amino acid to an Arginine residue and creates a premature Stop codon at position 2 of the new reading frame, denoted p.Lys168ArgfsX2. This pathogenic variant is predicted to cause loss of normal protein function either through protein truncation or nonsense-mediated mRNA decay. Additionally, the c.498_501dupCGAT variant was not observed in approximately 6,500 individuals of European and African American ancestry in the NHLBI Exome Sequencing Project, indicating it is not a common benign variant in these populations. Therefore, we consider this variant to be pathogenic.